The following is an entry in ClinVar:

ClinVar aggregate classification (germline): Likely pathogenic (0 of 4 stars; one submission).

Conditions:
KBG syndrome (KBGS). Also called: ANKRD11-Related KBG Syndrome. Identifiers: Orphanet 2332, MedGen C0220687, MONDO:0007846, OMIM 148050.

Submission:

Solve-RD Consortium
Classification: Likely pathogenic for KBG syndrome. Last evaluated: 2022-06-01. Review status: no assertion criteria provided. Collection method: provider interpretation. Allele origin: inherited. Affected: yes.
Comment: Variant confirmed as disease-causing by referring clinical team

Variant identified during reanalysis of unsolved cases by the Solve-RD project. The Solve-RD project has received funding from the European Union’s Horizon 2020 research and innovation programme under grant agreement No 779257.

Literature cited by the submitters: PubMed 39825153.

NM_013275.6(ANKRD11):c.1763C>A (p.Ser588Ter)

Gene: ANKRD11 (ankyrin repeat domain 11; minus strand). Cytogenetic location: 16q24.3.
Variant type: single nucleotide variant.
Coding change: c.1763C>A on transcript NM_013275.6 (MANE Select); coding-DNA position 1763, C replaced by A.
Protein change: p.Ser588Ter; replaces serine 588 with a stop codon.
Molecular consequence: nonsense.
Genome position (GRCh38, 1-based): chr16:89,284,779, G>T on the plus strand (C>A on the coding strand, the complement: ANKRD11 is on the minus strand). VCF-style: chr16-89284779-G-T. GRCh37 (hg19) VCF-style: chr16-89351187-G-T.
Other names: c.1763C>A, p.Ser588Ter (NM_001256182.2, NM_001256183.2); short protein forms S588*.
Identifiers: ClinVar variation 3256751 (VCV003256751.1).